The following is an entry in ClinVar:

NM_001080517.3(SETD5):c.3371C>T (p.Ser1124Phe)

Gene: SETD5 (SET domain containing 5; plus strand). Cytogenetic location: 3p25.3.
Variant type: single nucleotide variant.
Coding change: c.3371C>T on transcript NM_001080517.3 (MANE Select); coding-DNA position 3371, C replaced by T.
Protein change: p.Ser1124Phe; replaces serine 1124 with phenylalanine.
Molecular consequence: missense variant.
Genome position (GRCh38, 1-based): chr3:9,473,411, C>T. VCF-style: chr3-9473411-C-T. GRCh37 (hg19) VCF-style: chr3-9515095-C-T.
Other names: c.3077C>T, p.Ser1026Phe (NM_001292043.2, NM_001349451.2); short protein forms S1026F, S1124F.
Identifiers: ClinVar variation 1693364 (VCV001693364.3), dbSNP rs2125607433, ClinGen allele CA351686051.

ClinVar aggregate classification (germline): Uncertain significance (1 of 4 stars; one submission).

Submission:

GeneDx
Classification: Uncertain significance. Last evaluated: 2022-09-23. Review status: criteria provided, single submitter. Criteria: GeneDx Variant Classification Process June 2021. Collection method: clinical testing. Allele origin: germline. Affected: yes.
Comment: Not observed in large population cohorts (gnomAD); In silico analysis supports that this missense variant does not alter protein structure/function; Has not been previously published as pathogenic or benign to our knowledge